The following is an entry in ClinVar:

NM_031935.3(HMCN1):c.3714A>G (p.Ile1238Met)

Gene: HMCN1 (hemicentin 1; plus strand). Cytogenetic location: 1q31.1.
Variant type: single nucleotide variant.
Coding change: c.3714A>G on transcript NM_031935.3 (MANE Select); coding-DNA position 3714, A replaced by G.
Protein change: p.Ile1238Met; replaces isoleucine 1238 with methionine.
Molecular consequence: missense variant.
Genome position (GRCh38, 1-based): chr1:185,995,023, A>G. VCF-style: chr1-185995023-A-G. GRCh37 (hg19) VCF-style: chr1-185964155-A-G.
Other names: short protein forms I1238M.
Identifiers: ClinVar variation 3011365 (VCV003011365.3), dbSNP rs765655815, ClinGen allele CA1291793.

ClinVar aggregate classification (germline): Uncertain significance (1 of 4 stars; one submission).

Allele frequency attached by ClinVar (database versions not stated): gnomAD exomes below 0.00001; ExAC 0.00001.

Submission:

Labcorp Genetics (formerly Invitae), Labcorp
Classification: Uncertain significance. Last evaluated: 2022-12-20. Review status: criteria provided, single submitter. Criteria: Invitae Variant Classification Sherloc (09022015). Collection method: clinical testing. Allele origin: germline.
Comment: The frequency data for this variant in the population databases is considered unreliable, as metrics indicate poor data quality at this position in the gnomAD database. This sequence change replaces isoleucine, which is neutral and non-polar, with methionine, which is neutral and non-polar, at codon 1238 of the HMCN1 protein (p.Ile1238Met). This variant has not been reported in the literature in individuals affected with HMCN1-related conditions. In summary, the available evidence is currently insufficient to determine the role of this variant in disease. Therefore, it has been classified as a Variant of Uncertain Significance. Algorithms developed to predict the effect of missense changes on protein structure and function are either unavailable or do not agree on the potential impact of this missense change (SIFT: "Deleterious"; PolyPhen-2: "Benign"; Align-GVGD: "Class C0").